The following is an entry in ClinVar:

ClinVar aggregate classification (germline): Uncertain significance (1 of 4 stars; one submission).

Conditions:
Long QT syndrome (LQTS). Identifiers: MedGen C0023976, MeSH D008133, MONDO:0002442. Disease mechanism: loss of function. Inheritance: Various modes of inheritance.

Allele frequency attached by ClinVar (database versions not stated): gnomAD exomes below 0.00001; gnomAD 0.00001; TOPMed 0.00001; ExAC 0.00002.
gnomAD v4.1: 7 of 1,608,302 alleles (0.00044%); highest among the groups gnomAD compares: Non-Finnish European, 0.0006%; no homozygotes.

Submission:

Labcorp Genetics (formerly Invitae), Labcorp
Classification: Uncertain significance for Long QT syndrome. Last evaluated: 2022-08-22. Review status: criteria provided, single submitter. Criteria: Invitae Variant Classification Sherloc (09022015). Collection method: clinical testing. Allele origin: germline.
Comment: This sequence change falls in intron 8 of the ANK2 gene. It does not directly change the encoded amino acid sequence of the ANK2 protein. In summary, the available evidence is currently insufficient to determine the role of this variant in disease. Therefore, it has been classified as a Variant of Uncertain Significance. Algorithms developed to predict the effect of sequence changes on RNA splicing suggest that this variant may create or strengthen a splice site. This variant has not been reported in the literature in individuals affected with ANK2-related conditions. This variant is present in population databases (rs773866300, gnomAD 0.002%).

NM_001148.6(ANK2):c.793-13T>G

Gene: ANK2 (ankyrin 2; plus strand). Cytogenetic location: 4q26.
Variant type: single nucleotide variant.
Coding change: c.793-13T>G on transcript NM_001148.6 (MANE Select); 13 bases into the intron before coding-DNA position 793, T replaced by G.
Molecular consequence: intron variant.
Genome position (GRCh38, 1-based): chr4:113,242,098, T>G. VCF-style: chr4-113242098-T-G. GRCh37 (hg19) VCF-style: chr4-114163254-T-G.
Other names: c.781-13T>G (NM_001386186.2, NM_001386148.2, NM_001354269.3); c.757-13T>G (NM_001386187.2); c.751-13T>G (NM_001386147.1, NM_001386160.1, NM_001354261.2); c.730-13T>G (NM_001354254.2, NM_001354239.2, NM_001354252.2 and 14 more transcripts); c.706-13T>G (NM_001354249.2, NM_001354266.2, NM_001354276.2 and 16 more transcripts); c.838-13T>G (NM_001354241.2, NM_001386152.1, NM_001354237.2 and 5 more transcripts); c.793-13T>G (NM_001354225.2, NM_001354235.2, NM_001354246.2 and 9 more transcripts); c.844-13T>G (NM_001386174.1); and 1 more.
Identifiers: ClinVar variation 2203639 (VCV002203639.4), dbSNP rs773866300, ClinGen allele CA3050118.
Genomic context (GRCh38, chr4:113,242,098, plus strand): 5'-CCTTTAACACAAAGGCATCGCCATCATGCCCTGTCATACCCAACAGCTCTTGTTTGGTCT[T>G]TCTGTGGTGTAGAATGGAATCACTCCTCTGCATGTGGCTTCCAAAAGAGGAAATACAAAC-3'